The following is an entry in ClinVar:

ClinVar aggregate classification (germline): Likely benign (1 of 4 stars; one submission).

Conditions:
Hereditary diffuse gastric adenocarcinoma (HDGC). Also called: DIFFUSE GASTRIC AND LOBULAR BREAST CANCER SYNDROME. Identifiers: Orphanet 26106, MedGen C1708349, MONDO:0007648, OMIM 137215.

Submission:

Myriad Genetics, Inc.
Classification: Likely benign for Hereditary diffuse gastric adenocarcinoma. Last evaluated: 2024-09-20. Review status: criteria provided, single submitter. Criteria: Myriad Autosomal Dominant, Autosomal Recessive and X-Linked Classification Criteria (2023). Collection method: clinical testing. Allele origin: unknown.
Comment: This variant is considered likely benign. This variant is intronic and is not expected to impact mRNA splicing.

NM_004360.5(CDH1):c.1937-14del

Gene: CDH1 (cadherin 1; plus strand). Cytogenetic location: 16q22.1.
Variant type: Deletion.
Coding change: c.1937-14del on transcript NM_004360.5 (MANE Select); 14 bases into the intron before coding-DNA position 1937, one base deleted (A; older notation c.1937-14delA).
Molecular consequence: intron variant.
Genome position (GRCh38, 1-based): chr16:68,823,385, A deleted. VCF-style (leftmost placement, unchanged base first): chr16-68823384-TA-T. GRCh37 (hg19) VCF-style: chr16-68857287-TA-T.
Other names: c.389-14del (NM_001317185.2); c.-29-14del (NM_001317186.2); c.1754-14del (NM_001317184.2).
Identifiers: ClinVar variation 3379066 (VCV003379066.1).